The following is an entry in ClinVar:

ClinVar aggregate classification (germline): Conflicting classifications of pathogenicity. Review status: criteria provided, conflicting classifications (1 of 4 stars). 4 submissions from 4 submitters: Uncertain significance (1); Likely benign (3). Last evaluated 2025-11-26.

Conditions:
COL6A1-related disorder. Also called: COL6A1-related condition.
Bethlem myopathy 1A. Also called: MYOPATHY, BENIGN CONGENITAL, WITH CONTRACTURES; Bethlem myopathy 1; Bethlem Muscular Dystrophy. Identifiers: Orphanet 610, MedGen CN029274, MONDO:0024530, OMIM 158810.

Allele frequency attached by ClinVar (database versions not stated): gnomAD 0.00007; TOPMed 0.00008; ESP Exome Variant Server 0.00015.
gnomAD v4.1: 208 of 1,611,040 alleles (0.013%); highest among the groups gnomAD compares: Non-Finnish European, 0.016%; no homozygotes.

Submissions (4):

Mayo Clinic Laboratories, Mayo Clinic
Classification: Likely benign. Last evaluated: 2025-11-26. Review status: criteria provided, single submitter. Criteria: ACMG Guidelines, 2015. Collection method: clinical testing. Allele origin: germline. Observed: 1 variant allele.
Comment: BP4, BP7

Labcorp Genetics (formerly Invitae), Labcorp
Classification: Likely benign for Bethlem myopathy 1A. Last evaluated: 2025-08-18. Review status: criteria provided, single submitter. Criteria: Invitae Variant Classification Sherloc (09022015). Collection method: clinical testing. Allele origin: germline.

PreventionGenetics, part of Exact Sciences
Classification: Likely benign for COL6A1-related condition. Last evaluated: 2025-06-07. Review status: criteria provided, single submitter. Criteria: ACMG Guidelines, 2015. Collection method: clinical testing. Allele origin: germline.
Comment: This variant is classified as likely benign based on ACMG/AMP sequence variant interpretation guidelines (Richards et al. 2015 PMID: 25741868, with internal and published modifications).

Eurofins Ntd Llc (ga)
Classification: Uncertain significance. Last evaluated: 2016-08-24. Review status: criteria provided, single submitter. Criteria: EGL Classification Definitions 2015. Collection method: clinical testing. Allele origin: germline. Observed: 1 variant allele, 1 heterozygote.

NM_001848.3(COL6A1):c.780G>A (p.Gly260=)

Gene: COL6A1 (collagen type VI alpha 1 chain; plus strand). Cytogenetic location: 21q22.3.
Variant type: single nucleotide variant.
Coding change: c.780G>A on transcript NM_001848.3 (MANE Select); coding-DNA position 780, G replaced by A.
Protein change: p.Gly260=; no amino-acid change (glycine 260 retained).
Molecular consequence: synonymous variant.
Genome position (GRCh38, 1-based): chr21:45,987,630, G>A. VCF-style: chr21-45987630-G-A. GRCh37 (hg19) VCF-style: chr21-47407544-G-A.
Other names: p.Gly260=; c.780G>A (NM_001848.2).
Identifiers: ClinVar variation 290918 (VCV000290918.15), dbSNP rs143396975, ClinGen allele CA10069748.
Genomic context (GRCh38, chr21:45,987,630, plus strand): 5'-GAGTCTGGGGTCCTGGCTGACCGTCCCCTCTGCCTTGCAGCCTGCAAGAGGACCTCCGGG[G>A]CTCCGGGGCGACCCCGGCTTTGAGGTGAGTGGTGACTCCTGCTCCTCCCATGTGTTGTGG-3'
Protein context (NP_001839.2, residues 250-270): FECQPARGPP[Gly260=]LRGDPGFEGE